The following is an entry in ClinVar:

ClinVar aggregate classification (germline): Likely benign. Review status: criteria provided, multiple submitters, no conflicts (2 of 4 stars). 4 submissions from 4 submitters: Likely benign (4). Last evaluated 2025-12-22.

Conditions:
Hereditary cancer-predisposing syndrome. Also called: Tumor predisposition; Neoplastic Syndromes, Hereditary; Hereditary neoplastic syndrome; Hereditary Cancer Syndrome. Identifiers: Orphanet 140162, MedGen C0027672, MeSH D009386, MONDO:0015356.
Familial cancer of breast. Also called: BREAST CANCER, FAMILIAL; Hereditary breast cancer; hereditary breast carcinoma. Identifiers: Orphanet 227535, MedGen C0346153, MONDO:0016419, OMIM 114480. Disease mechanism: loss of function.
Fanconi anemia complementation group J. Also called: BRIP1-Related Fanconi Anemia. Identifiers: Orphanet 84, MedGen C1836860, MONDO:0012187, OMIM 609054.

Allele frequency attached by ClinVar (database versions not stated): gnomAD exomes 0.00001 and 0.00002; ExAC 0.00002; TOPMed 0.00004.
gnomAD v4.1: 12 of 1,613,452 alleles (0.00074%); highest among the groups gnomAD compares: Admixed American, 0.0083%; no homozygotes.

Submissions (4):

Labcorp Genetics (formerly Invitae), Labcorp
Classification: Likely benign for Familial cancer of breast; Fanconi anemia complementation group J. Last evaluated: 2025-12-22. Review status: criteria provided, single submitter. Criteria: Invitae Variant Classification Sherloc (09022015). Collection method: clinical testing. Allele origin: germline.

Blueprint Genetics
Classification: Likely benign. Last evaluated: 2023-05-04. Review status: criteria provided, single submitter. Criteria: ACMG Guidelines, 2015. Collection method: clinical testing. Allele origin: germline.

Color Diagnostics, LLC DBA Color Health
Classification: Likely benign for Hereditary cancer-predisposing syndrome. Last evaluated: 2016-10-05. Review status: criteria provided, single submitter. Criteria: ACMG Guidelines, 2015. Collection method: clinical testing. Allele origin: germline.

GeneDx
Classification: Likely benign. Last evaluated: 2016-05-06. Review status: criteria provided, single submitter. Criteria: GeneDx Variant Classification (06012015). Collection method: clinical testing. Allele origin: germline. Affected: yes.
Comment: This variant is considered likely benign or benign based on one or more of the following criteria: it is a conservative change, it occurs at a poorly conserved position in the protein, it is predicted to be benign by multiple in silico algorithms, and/or has population frequency not consistent with disease.

NM_032043.3(BRIP1):c.507+14A>G

Gene: BRIP1 (BRCA1 interacting DNA helicase 1; minus strand). Cytogenetic location: 17q23.2.
Variant type: single nucleotide variant.
Coding change: c.507+14A>G on transcript NM_032043.3 (MANE Select); 14 bases into the intron after coding-DNA position 507, A replaced by G.
Molecular consequence: intron variant.
Genome position (GRCh38, 1-based): chr17:61,849,115, T>C on the plus strand (A>G on the coding strand, the complement: BRIP1 is on the minus strand). VCF-style: chr17-61849115-T-C. GRCh37 (hg19) VCF-style: chr17-59926476-T-C.
Identifiers: ClinVar variation 379278 (VCV000379278.13), dbSNP rs754102734, ClinGen allele CA8690924.